The following is an entry in ClinVar:

ClinVar aggregate classification (germline): Uncertain significance (1 of 4 stars; one submission).

Submission:

Labcorp Genetics (formerly Invitae), Labcorp
Classification: Uncertain significance. Last evaluated: 2022-06-12. Review status: criteria provided, single submitter. Criteria: Invitae Variant Classification Sherloc (09022015). Collection method: clinical testing. Allele origin: germline.
Comment: Algorithms developed to predict the effect of missense changes on protein structure and function are either unavailable or do not agree on the potential impact of this missense change (SIFT: "Not Available"; PolyPhen-2: "Benign"; Align-GVGD: "Not Available"). This variant has not been reported in the literature in individuals affected with ZNF469-related conditions. Information on the frequency of this variant in the gnomAD database is not available, as this variant may be reported differently in the database. This sequence change replaces serine, which is neutral and polar, with asparagine, which is neutral and polar, at codon 1024 of the ZNF469 protein (p.Ser1024Asn). In summary, the available evidence is currently insufficient to determine the role of this variant in disease. Therefore, it has been classified as a Variant of Uncertain Significance.

NM_001367624.2(ZNF469):c.3071_3072delinsAT (p.Ser1024Asn)

Gene: ZNF469 (zinc finger protein 469; plus strand). Cytogenetic location: 16q24.2.
Variant type: Indel.
Coding change: c.3071_3072delinsAT on transcript NM_001367624.2 (MANE Select); coding-DNA positions 3071 to 3072, GC replaced by AT.
Protein change: p.Ser1024Asn; replaces serine 1024 with asparagine.
Molecular consequence: missense variant.
Genome position (GRCh38, 1-based): chr16:88,430,541-88,430,542, GC replaced by AT. VCF-style: chr16-88430541-GC-AT. GRCh37 (hg19) VCF-style: chr16-88496949-GC-AT.
Other names: short protein forms S1024N.
Identifiers: ClinVar variation 2115330 (VCV002115330.4), dbSNP rs2507581637, ClinGen allele CA2580092204.
Genomic context (GRCh38, chr16:88,430,541, plus strand): 5'-GCCGCGCAGACCCCGCGCCCCGGGTCCCGAGAGCCGCCGCCCTCCCCGAGGAGACCCGCA[GC>AT]TCCCGGCGCCGCCGGCTGCCCCCCAGGAAGGACCCCAGGAAGAGGAAGGCTCGGGGCGGC-3'
Protein context (NP_001354553.1, residues 1014-1034): RAAALPEETR[Ser1024Asn]SRRRRLPPRK